The following is an entry in ClinVar:

ClinVar aggregate classification (germline): Benign. Review status: criteria provided, multiple submitters, no conflicts (2 of 4 stars). 10 submissions from 10 submitters: Benign (7). 3 of the submissions do not count toward it. Last evaluated 2026-02-04.

Conditions:
Inborn genetic diseases. Identifiers: MedGen C0950123, MeSH D030342.
Cohen syndrome (COH1). Also called: Cutis verticis gyrata, retinitis pigmentosa, and sensorineural deafness; PEPPER SYNDROME. Identifiers: Orphanet 193, MedGen C0265223, MONDO:0008999, OMIM 216550.

Allele frequency attached by ClinVar (database versions not stated): TOPMed 0.01321; ESP Exome Variant Server 0.01510; 1000 Genomes Project 0.01677; 1000 Genomes Project 30x 0.01686.
gnomAD v4.1: 3,764 of 1,606,554 alleles (0.23%); highest among the groups gnomAD compares: African/African-American, 4.3%; 65 homozygotes.

Submissions (10):

Labcorp Genetics (formerly Invitae), Labcorp
Classification: Benign for Cohen syndrome. Last evaluated: 2026-02-04. Review status: criteria provided, single submitter. Criteria: Invitae Variant Classification Sherloc (09022015). Collection method: clinical testing. Allele origin: germline.

Women's Health and Genetics/Laboratory Corporation of America, LabCorp
Classification: Benign. Last evaluated: 2026-01-21. Review status: criteria provided, single submitter. Criteria: LabCorp Variant Classification Summary - May 2015. Collection method: clinical testing. Allele origin: germline.

Mayo Clinic Laboratories, Mayo Clinic
Classification: Benign. Last evaluated: 2019-12-19. Review status: criteria provided, single submitter. Criteria: ACMG Guidelines, 2015. Collection method: clinical testing. Allele origin: germline. Observed: 29 variant alleles.

GeneDx
Classification: Benign. Last evaluated: 2018-12-11. Review status: criteria provided, single submitter. Criteria: GeneDx Variant Classification Process June 2021. Collection method: clinical testing. Allele origin: germline. Affected: yes.

Illumina Laboratory Services, Illumina
Classification: Benign for Cohen syndrome. Last evaluated: 2018-01-13. Review status: criteria provided, single submitter. Criteria: ICSL Variant Classification Criteria 13 December 2019. Collection method: clinical testing. Allele origin: germline.
Comment: This variant was observed in the ICSL laboratory as part of a predisposition screen in an ostensibly healthy population. It had not been previously curated by ICSL or reported in the Human Gene Mutation Database (HGMD: prior to June 1st, 2018), and was therefore a candidate for classification through an automated scoring system. Utilizing variant allele frequency, disease prevalence and penetrance estimates, and inheritance mode, an automated score was calculated to assess if this variant is too frequent to cause the disease. Based on the score and internal cut-off values, a variant classified as benign is not then subjected to further curation. The score for this variant resulted in a classification of benign for this disease.

Ambry Genetics
Classification: Benign for Inborn genetic diseases. Last evaluated: 2016-11-30. Review status: criteria provided, single submitter. Criteria: Ambry Variant Classification Scheme 2023. Collection method: clinical testing. Allele origin: germline.

Breakthrough Genomics
Classification: Benign. Review status: criteria provided, single submitter. Criteria: ACMG Guidelines, 2015. Collection method: not provided. Allele origin: germline. Inheritance: Autosomal recessive inheritance. Affected: yes.

Clinical Genetics DNA and cytogenetics Diagnostics Lab, Erasmus MC, Erasmus Medical Center
Classification: Benign. Review status: no assertion criteria provided. Collection method: clinical testing. Allele origin: germline. Affected: yes. Study: VKGL Data-share Consensus. Not counted in ClinVar's aggregate classification.

Genetic Services Laboratory, University of Chicago
Classification: Likely benign for AllHighlyPenetrant. Review status: no assertion criteria provided. Collection method: clinical testing. Allele origin: germline. Inheritance: Autosomal recessive inheritance. Not counted in ClinVar's aggregate classification.
Comment: Likely benign based on allele frequency in 1000 Genomes Project or ESP global frequency and its presence in a patient with a rare or unrelated disease phenotype. NOT Sanger confirmed.

Genome Diagnostics Laboratory, University Medical Center Utrecht
Classification: Likely benign. Review status: no assertion criteria provided. Collection method: clinical testing. Allele origin: germline. Affected: yes. Study: VKGL Data-share Consensus. Not counted in ClinVar's aggregate classification.

NM_152564.5(VPS13B):c.1293T>G (p.Thr431=)

Gene: VPS13B (vacuolar protein sorting 13 homolog B; plus strand). Cytogenetic location: 8q22.2.
Variant type: single nucleotide variant.
Coding change: c.1293T>G on transcript NM_152564.5 (MANE Select); coding-DNA position 1293, T replaced by G.
Protein change: p.Thr431=; no amino-acid change (threonine 431 retained).
Molecular consequence: synonymous variant.
Genome position (GRCh38, 1-based): chr8:99,134,718, T>G. VCF-style: chr8-99134718-T-G. GRCh37 (hg19) VCF-style: chr8-100146946-T-G.
Other names: p.Thr431=; c.1293T>G, p.Thr431= (NM_015243.3, NM_017890.5).
Identifiers: ClinVar variation 130722 (VCV000130722.31), dbSNP rs77759532, ClinGen allele CA155946.